The following is an entry in ClinVar:

ClinVar aggregate classification (germline): Uncertain significance. Review status: criteria provided, multiple submitters, no conflicts (2 of 4 stars). 2 submissions from 2 submitters: Uncertain significance (2). Last evaluated 2024-12-06.

Submissions (2):

Mayo Clinic Laboratories, Mayo Clinic
Classification: Uncertain significance. Last evaluated: 2024-12-06. Review status: criteria provided, single submitter. Criteria: ACMG Guidelines, 2015. Collection method: clinical testing. Allele origin: germline. Observed: 1 variant allele.
Comment: PM2_supporting, PVS1_moderate

Eurofins Ntd Llc (ga)
Classification: Uncertain significance. Last evaluated: 2017-07-17. Review status: criteria provided, single submitter. Criteria: EGL Classification Definitions 2015. Collection method: clinical testing. Allele origin: germline. Observed: 1 variant allele, 1 homozygote.

NM_012254.3(SLC27A5):c.1464_1468+1del

Gene: SLC27A5 (solute carrier family 27 member 5; minus strand). Cytogenetic location: 19q13.43.
Variant type: Deletion.
Coding change: c.1464_1468+1del on transcript NM_012254.3 (MANE Select); coding-DNA position 1464 through the canonical splice donor site of the intron after coding-DNA position 1468, 6 bases deleted (GCTAGG; older notation c.1464_1468+1delGCTAGG).
Molecular consequence: splice donor variant.
Genome position (GRCh38, 1-based): chr19:58,500,338-58,500,343, CCTAGC deleted on the plus strand (GCTAGG on the coding strand, the reverse complement: SLC27A5 is on the minus strand); deleting any 6 consecutive bases within chr19:58,500,338-58,500,347 gives the same sequence; the c. name uses the placement nearest the transcript's 3' end. VCF-style (leftmost placement, unchanged base first): chr19-58500337-ACCTAGC-A. GRCh37 (hg19) VCF-style: chr19-59011704-ACCTAGC-A.
Other names: p.Leu489_Gly490del; c.1212_1216+1del (NM_001321196.2).
Identifiers: ClinVar variation 593176 (VCV000593176.6), dbSNP rs762193852, ClinGen allele CA9717966.